The following is an entry in ClinVar:

ClinVar aggregate classification (germline): Pathogenic (1 of 4 stars; one submission).

Conditions:
Fabry disease. Also called: ALPHA-GALACTOSIDASE A DEFICIENCY; ANDERSON-FABRY DISEASE; CERAMIDE TRIHEXOSIDASE DEFICIENCY; GLA DEFICIENCY; HEREDITARY DYSTOPIC LIPIDOSIS; Angiokeratoma corporis diffusum. Identifiers: Orphanet 324, MedGen C0002986, MONDO:0010526, OMIM 301500, HP:0001071. Disease mechanism: Fabry disease is due to inactivating mutations in the X-linked GLA gene resulting in deficiency of the enzyme Alpha Galactosidase-A., loss of function.

Submission:

Genomenon, Inc
Classification: Pathogenic for Fabry disease. Last evaluated: 2026-09-08. Review status: criteria provided, single submitter. Criteria: Genomenon Sequence Variant Interpretation Standards - Updated. Collection method: curation. Allele origin: germline. Affected: yes.
Comment: GLA p.Met72TrpfsTer49 (c.214del) is a frameshift variant that is predicted to introduce a premature termination codon and result in a truncated or absent protein product. This variant has been observed in at least one proband with clinical features consistent with Fabry disease (PMID:32442237;28749998). It is absent or not present at a significant frequency in gnomAD. In conclusion, we classify GLA p.Met72TrpfsTer49 (c.214del) as a pathogenic variant.

Literature cited by the submitters: PubMed 32442237; PubMed 28749998.

NM_000169.3(GLA):c.214del (p.Met72fs)

Genes: GLA (galactosidase alpha; minus strand), RPL36A-HNRNPH2 (RPL36A-HNRNPH2 readthrough; plus strand). Cytogenetic location: Xq22.1.
Variant type: Deletion.
Coding change: c.214del on transcript NM_000169.3 (MANE Select); coding-DNA position 214, one base deleted (A; older notation c.214delA).
Protein change: p.Met72fs; shifts the reading frame from methionine 72.
Molecular consequence: frameshift variant. On other transcripts: non-coding transcript variant (3), intron variant (2).
Genome position (GRCh38, 1-based): chrX:101,403,966, T deleted on the plus strand (A on the coding strand, the reverse complement: GLA is on the minus strand). VCF-style (leftmost placement, unchanged base first): chrX-101403965-AT-A. GRCh37 (hg19) VCF-style: chrX-100658953-AT-A.
Other names: c.337del, p.Met113fs (NM_001406747.1, NM_001406749.1); c.214del, p.Met72fs (NM_001406748.1); c.301-7970del (NM_001199973.2); c.178-7970del (NM_001199974.2); short protein forms M113fs, M72fs.
Identifiers: ClinVar variation 4087273 (VCV004087273.2).
Genomic context (GRCh38, chrX:101,403,965, plus strand): 5'-TCAATGCAGAGGTACTCATAACCTGCATCCTTCCAGCCTTCTGAGACCATGAGCTCTGCC[AT>A]CTCCATGAAGAGCTTCTCACTGAAAGAGAAATTCCAATAATCATTACAATTCATTAAATG-3'